The following is an entry in ClinVar:

ClinVar aggregate classification (germline): Pathogenic. Review status: criteria provided, multiple submitters, no conflicts (2 of 4 stars). 3 submissions from 3 submitters: Pathogenic (3). Last evaluated 2022-12-20.

Conditions:
Retinal dystrophy. Also called: Inherited retinal dystrophy. Identifiers: Orphanet 71862, MedGen C0854723, MeSH D058499, MONDO:0019118, HP:0000556.
CHM-related disorders.

Allele frequency attached by ClinVar (database versions not stated): gnomAD 0.00002.

Submissions (3):

Labcorp Genetics (formerly Invitae), Labcorp
Classification: Pathogenic. Last evaluated: 2022-12-20. Review status: criteria provided, single submitter. Criteria: Invitae Variant Classification Sherloc (09022015). Collection method: clinical testing. Allele origin: germline.
Comment: This sequence change affects a donor splice site in intron 9 of the CHM gene. It is expected to disrupt RNA splicing. Variants that disrupt the donor or acceptor splice site typically lead to a loss of protein function (PMID: 16199547), and loss-of-function variants in CHM are known to be pathogenic (PMID: 9067750, 23811034). The frequency data for this variant in the population databases is considered unreliable, as metrics indicate poor data quality at this position in the gnomAD database. For these reasons, this variant has been classified as Pathogenic. Algorithms developed to predict the effect of sequence changes on RNA splicing suggest that this variant may disrupt the consensus splice site. This variant is also known as 1274+1G>A. Disruption of this splice site has been observed in individuals with choroideremia (PMID: 9067750, 32531858).

Blueprint Genetics
Classification: Pathogenic for CHM-related disorders. Last evaluated: 2021-06-22. Review status: criteria provided, single submitter. Criteria: ACMG Guidelines, 2015. Collection method: clinical testing. Allele origin: germline. Affected: yes. Observed: 2 variant alleles.

Institute of Human Genetics, Univ. Regensburg, Univ. Regensburg
Classification: Pathogenic for Retinal dystrophy. Last evaluated: 2019-01-01. Review status: criteria provided, single submitter. Criteria: ACMG Guidelines, 2015. Collection method: clinical testing. Allele origin: germline. Affected: yes.

Literature cited by the submitters: PubMed 16199547 (cited by Labcorp Genetics (formerly Invitae), Labcorp); PubMed 9067750 (cited by Labcorp Genetics (formerly Invitae), Labcorp and Institute of Human Genetics, Univ. Regensburg, Univ. Regensburg); PubMed 23811034 (cited by Labcorp Genetics (formerly Invitae), Labcorp); PubMed 32531858 (cited by Labcorp Genetics (formerly Invitae), Labcorp); PubMed 25525159 (cited by Institute of Human Genetics, Univ. Regensburg, Univ. Regensburg); PubMed 36464167 (cited by Institute of Human Genetics, Univ. Regensburg, Univ. Regensburg).

NM_000390.4(CHM):c.1244+1G>A

Gene: CHM (CHM Rab escort protein; minus strand). Cytogenetic location: Xq21.2.
Variant type: single nucleotide variant.
Coding change: c.1244+1G>A on transcript NM_000390.4 (MANE Select); the canonical splice donor site of the intron after coding-DNA position 1244, G replaced by A.
Molecular consequence: splice donor variant.
Genome position (GRCh38, 1-based): chrX:85,911,260, C>T on the plus strand (G>A on the coding strand, the complement: CHM is on the minus strand). VCF-style: chrX-85911260-C-T. GRCh37 (hg19) VCF-style: chrX-85166265-C-T.
Other names: c.800+1G>A (NM_001362519.1, NM_001362517.1, NM_001320959.1 and 1 more transcripts).
Identifiers: ClinVar variation 2737267 (VCV002737267.5), dbSNP rs1398113537, ClinGen allele CA413790221.